The following is an entry in ClinVar:

ClinVar aggregate classification (germline): Pathogenic (1 of 4 stars; one submission).

Conditions:
Epilepsy. Also called: Seizure disorder. Identifiers: MedGen C0014544, MeSH D004827, MONDO:0005027.

Submission:

Labcorp Genetics (formerly Invitae), Labcorp
Classification: Pathogenic for Epilepsy. Last evaluated: 2024-12-12. Review status: criteria provided, single submitter. Criteria: Invitae Variant Classification Sherloc (09022015). Collection method: clinical testing. Allele origin: germline.
Comment: This sequence change creates a premature translational stop signal (p.Cys213Alafs*47) in the PIGQ gene. It is expected to result in an absent or disrupted protein product. Loss-of-function variants in PIGQ are known to be pathogenic (PMID: 24463883, 25558065). This variant is not present in population databases (gnomAD no frequency). This variant has not been reported in the literature in individuals affected with PIGQ-related conditions. For these reasons, this variant has been classified as Pathogenic.

Literature cited by the submitters: PubMed 24463883; PubMed 25558065.

NM_004204.5(PIGQ):c.637del (p.Cys213fs)

Gene: PIGQ (phosphatidylinositol glycan anchor biosynthesis class Q; plus strand). Cytogenetic location: 16p13.3.
Variant type: Deletion.
Coding change: c.637del on transcript NM_004204.5 (MANE Select); coding-DNA position 637, one base deleted (T; older notation c.637delT).
Protein change: p.Cys213fs; shifts the reading frame from cysteine 213.
Molecular consequence: frameshift variant.
Genome position (GRCh38, 1-based): chr16:574,711, T deleted; the last of 3 consecutive T bases (chr16:574,709-574,711); deleting any one gives the same sequence. VCF-style (leftmost placement, unchanged base first): chr16-574708-AT-A. GRCh37 (hg19) VCF-style: chr16-624708-AT-A.
Other names: c.637del, p.Cys213fs (NM_148920.4); short protein forms C213fs.
Identifiers: ClinVar variation 3617283 (VCV003617283.2).